The following is an entry in ClinVar:

NM_001003787.4(STRADA):c.54G>T (p.Lys18Asn)

Gene: STRADA (STE20 related adaptor alpha; minus strand). Cytogenetic location: 17q23.3.
Variant type: single nucleotide variant.
Coding change: c.54G>T on transcript NM_001003787.4 (MANE Select); coding-DNA position 54, G replaced by T.
Protein change: p.Lys18Asn; replaces lysine 18 with asparagine.
Molecular consequence: missense variant. On other transcripts: 5 prime UTR variant (3), non-coding transcript variant (1), intron variant (5).
Genome position (GRCh38, 1-based): chr17:63,726,678, C>A on the plus strand (G>T on the coding strand, the complement: STRADA is on the minus strand). VCF-style: chr17-63726678-C-A. GRCh37 (hg19) VCF-style: chr17-61804038-C-A.
Other names: c.-92G>T (NM_001003788.3, NM_001363790.1, NM_001363791.1); c.54G>T, p.Lys18Asn (NM_001165970.2, NM_001363788.1); c.30G>T, p.Lys10Asn (NM_001363786.1); c.12+1680G>T (NM_001363789.1, NM_001003786.3, NM_153335.6); c.36+1656G>T (NM_001165969.2, NM_001363787.1); short protein forms K10N, K18N.
Identifiers: ClinVar variation 1024253 (VCV001024253.8), dbSNP rs770208738, ClinGen allele CA8703528.

ClinVar aggregate classification (germline): Uncertain significance (1 of 4 stars; one submission).

Conditions:
Polyhydramnios, megalencephaly, and symptomatic epilepsy (PMSE). Also called: PMSE SYNDROME. Identifiers: Orphanet 500533, MedGen C1970203, MONDO:0012611, OMIM 611087.

Allele frequency attached by ClinVar (database versions not stated): gnomAD below 0.00001 and 0.00001; gnomAD exomes below 0.00001; ExAC 0.00001.
gnomAD v4.1: 3 of 1,613,938 alleles (0.00019%); highest among the groups gnomAD compares: South Asian, 0.0033%; no homozygotes.

Submission:

Labcorp Genetics (formerly Invitae), Labcorp
Classification: Uncertain significance for Polyhydramnios, megalencephaly, and symptomatic epilepsy. Last evaluated: 2020-10-01. Review status: criteria provided, single submitter. Criteria: Invitae Variant Classification Sherloc (09022015). Collection method: clinical testing. Allele origin: germline.
Comment: In summary, the available evidence is currently insufficient to determine the role of this variant in disease. Therefore, it has been classified as a Variant of Uncertain Significance. Algorithms developed to predict the effect of missense changes on protein structure and function are either unavailable or do not agree on the potential impact of this missense change (SIFT: "Deleterious"; PolyPhen-2: "Possibly Damaging"; Align-GVGD: "Class C0"). This variant has not been reported in the literature in individuals with STRADA-related conditions. This variant is present in population databases (rs770208738, ExAC 0.006%). This sequence change replaces lysine with asparagine at codon 18 of the STRADA protein (p.Lys18Asn). The lysine residue is moderately conserved and there is a moderate physicochemical difference between lysine and asparagine.